The following is an entry in ClinVar:

NM_173630.4(RTTN):c.1523T>C (p.Leu508Pro)

Gene: RTTN (rotatin; minus strand). Cytogenetic location: 18q22.2.
Variant type: single nucleotide variant.
Coding change: c.1523T>C on transcript NM_173630.4 (MANE Select); coding-DNA position 1523, T replaced by C.
Protein change: p.Leu508Pro; replaces leucine 508 with proline.
Molecular consequence: missense variant. On other transcripts: intron variant (1).
Genome position (GRCh38, 1-based): chr18:70,169,021, A>G on the plus strand (T>C on the coding strand, the complement: RTTN is on the minus strand). VCF-style: chr18-70169021-A-G. GRCh37 (hg19) VCF-style: chr18-67836257-A-G.
Other names: c.-1077-48T>C (NM_001318520.2); short protein forms L508P.
Identifiers: ClinVar variation 4074573 (VCV004074573.1).
Genomic context (GRCh38, chr18:70,169,021, plus strand): 5'-TAGGCCACAACAGCTTCATGAATATTTGGATATTCCAAAGAAATAGGCATGTCCAAAGAA[A>G]GGAGAAATAATGCTGTTGACATAGGCTCTGATAAAAACTCGCTTGCCTTGGTGAATTAAA-3'
Protein context (NP_775901.3, residues 498-518): SEPMSTALFL[Leu508Pro]SLDMPISLEY

ClinVar aggregate classification (germline): Uncertain significance (1 of 4 stars; one submission).

gnomAD v4.1: 1 of 1,612,758 alleles (0.000062%); highest among the groups gnomAD compares: African/African-American, 0.0013%; no homozygotes.

Submission:

GeneDx
Classification: Uncertain significance. Last evaluated: 2025-02-07. Review status: criteria provided, single submitter. Criteria: GeneDx Variant Classification Process June 2021. Collection method: clinical testing. Allele origin: germline. Affected: yes.
Comment: Not observed at significant frequency in large population cohorts (gnomAD); In silico analysis supports that this missense variant has a deleterious effect on protein structure/function; Has not been previously published as pathogenic or benign to our knowledge